The following is an entry in ClinVar:

ClinVar aggregate classification (germline): Uncertain significance. Review status: criteria provided, multiple submitters, no conflicts (2 of 4 stars). 2 submissions from 2 submitters: Uncertain significance (2). Last evaluated 2025-12-30.

Conditions:
Surfactant metabolism dysfunction, pulmonary, 4 (SMDP4). Also called: CSF2RA DEFICIENCY; PAP DUE TO CSF2RA DEFICIENCY; PULMONARY ALVEOLAR PROTEINOSIS, CONGENITAL, 4. Identifiers: Orphanet 264675, MedGen C2677877, MONDO:0010424, OMIM 300770.

Allele frequency attached by ClinVar (database versions not stated): gnomAD exomes 0.00010 and 0.00011; ExAC 0.00011; gnomAD 0.00013 and 0.00014; TOPMed 0.00014; ESP Exome Variant Server 0.00023.
gnomAD v4.1: 179 of 1,613,810 alleles (0.011%); highest among the groups gnomAD compares: Non-Finnish European, 0.014%; no homozygotes.

Submissions (2):

Labcorp Genetics (formerly Invitae), Labcorp
Classification: Uncertain significance for Surfactant metabolism dysfunction, pulmonary, 4. Last evaluated: 2025-12-30. Review status: criteria provided, single submitter. Criteria: Invitae Variant Classification Sherloc (09022015). Collection method: clinical testing. Allele origin: germline.
Comment: This sequence change replaces arginine, which is basic and polar, with glutamine, which is neutral and polar, at codon 354 of the CSF2RA protein (p.Arg354Gln). This variant is present in population databases (no rsID available, gnomAD 0.02%). This variant has not been reported in the literature in individuals affected with CSF2RA-related conditions. ClinVar contains an entry for this variant (Variation ID: 646249). Experimental studies and prediction algorithms are not available or were not evaluated, and the functional significance of this variant is currently unknown. In summary, the available evidence is currently insufficient to determine the role of this variant in disease. Therefore, it has been classified as a Variant of Uncertain Significance.

Blueprint Genetics
Classification: Uncertain significance. Last evaluated: 2024-09-03. Review status: criteria provided, single submitter. Criteria: ACMG Guidelines, 2015. Collection method: clinical testing. Allele origin: germline.

NM_172245.4(CSF2RA):c.1061G>A (p.Arg354Gln)

Gene: CSF2RA (colony stimulating factor 2 receptor subunit alpha; plus strand). Cytogenetic location: Yp11.2.
Variant type: single nucleotide variant.
Coding change: c.1061G>A on transcript NM_172245.4 (MANE Select); coding-DNA position 1061, G replaced by A.
Protein change: p.Arg354Gln; replaces arginine 354 with glutamine.
Molecular consequence: missense variant. On other transcripts: non-coding transcript variant (1), intron variant (1).
Genome position (GRCh38, 1-based): chrX:1,305,463, G>A. VCF-style: chrX-1305463-G-A. GRCh37 (hg19) VCF-style: chrX-1424356-G-A.
Other names: c.1061G>A, p.Arg354Gln (NM_001161529.2, NM_001161531.2, NM_001379155.1 and 9 more transcripts); c.1163G>A, p.Arg388Gln (NM_001161530.2, NM_001379153.1, NM_001379154.1); c.662G>A, p.Arg221Gln (NM_001161532.2); c.1031G>A, p.Arg344Gln (NM_001379160.1); c.872G>A, p.Arg291Gln (NM_001379166.1); c.964G>A, p.Gly322Ser (NM_001379167.1, NM_001379168.1, NM_001379169.1 and 1 more transcripts); c.664G>A, p.Gly222Ser (NM_172249.4); c.947-3939G>A (NM_172246.4); short protein forms G222S, R388Q, G322S, R221Q, R354Q, R291Q, R344Q.
Identifiers: ClinVar variation 646249 (VCV000646249.8), dbSNP rs144555820, ClinGen allele CA10331179.